The following is an entry in ClinVar:

NM_003332.4(TYROBP):c.140T>C (p.Val47Ala)

Gene: TYROBP (transmembrane immune signaling adaptor TYROBP; minus strand). Cytogenetic location: 19q13.12.
Variant type: single nucleotide variant.
Coding change: c.140T>C on transcript NM_003332.4 (MANE Select); coding-DNA position 140, T replaced by C.
Protein change: p.Val47Ala; replaces valine 47 with alanine.
Molecular consequence: missense variant. On other transcripts: non-coding transcript variant (1).
Genome position (GRCh38, 1-based): chr19:35,907,535, A>G on the plus strand (T>C on the coding strand, the complement: TYROBP is on the minus strand). VCF-style: chr19-35907535-A-G. GRCh37 (hg19) VCF-style: chr19-36398437-A-G.
Other names: c.107T>C, p.Val36Ala (NM_001173514.2, NM_001173515.2); c.140T>C, p.Val47Ala (NM_198125.3); short protein forms V47A, V36A.
Identifiers: ClinVar variation 892114 (VCV000892114.7), dbSNP rs372140827, ClinGen allele CA9393089.

ClinVar aggregate classification (germline): Uncertain significance. Review status: criteria provided, multiple submitters, no conflicts (2 of 4 stars). 3 submissions from 3 submitters: Uncertain significance (3). Last evaluated 2024-06-17.

Conditions:
Polycystic lipomembranous osteodysplasia with sclerosing leukoencephalopathy 1 (PLOSL1). Also called: TYROBP-Related Polycystic Lipomembranous Osteodysplasia with Sclerosing Leukoencephalopathy; TREM2-Related Polycystic Lipomembranous Osteodysplasia with Sclerosing Leukoencephalopathy. Identifiers: Orphanet 2770, MedGen C4721893, MONDO:0020749, OMIM 221770.

Allele frequency attached by ClinVar (database versions not stated): gnomAD 0.00006 and 0.00008; ExAC 0.00007; ESP Exome Variant Server 0.00008; gnomAD exomes 0.00008; TOPMed 0.00009; 1000 Genomes Project 30x 0.00016; 1000 Genomes Project 0.00020.
gnomAD v4.1: 133 of 1,614,018 alleles (0.0082%); highest among the groups gnomAD compares: Middle Eastern, 0.13%; no homozygotes.

Submissions (3):

GeneDx
Classification: Uncertain significance. Last evaluated: 2024-06-17. Review status: criteria provided, single submitter. Criteria: GeneDx Variant Classification Process June 2021. Collection method: clinical testing. Allele origin: germline. Affected: yes.
Comment: Reported in a patient with dementia and parkinsonism who also harbored variants in other genes that may explain the phenotype including a C9ORF72 repeat expansion (PMID: 28620717); Not observed at significant frequency in large population cohorts (gnomAD); In silico analysis supports that this missense variant has a deleterious effect on protein structure/function; This variant is associated with the following publications: (PMID: 27658901, 29525180, 31996268, 36133075, 28620717)

Labcorp Genetics (formerly Invitae), Labcorp
Classification: Uncertain significance. Last evaluated: 2023-12-12. Review status: criteria provided, single submitter. Criteria: Invitae Variant Classification Sherloc (09022015). Collection method: clinical testing. Allele origin: germline.
Comment: This sequence change replaces valine, which is neutral and non-polar, with alanine, which is neutral and non-polar, at codon 47 of the TYROBP protein (p.Val47Ala). This variant is present in population databases (rs372140827, gnomAD 0.01%). This missense change has been observed in individual(s) with clinical features of TYROBP-related conditions (PMID: 27658901, 28620717, 31996268, 36133075). ClinVar contains an entry for this variant (Variation ID: 892114). An algorithm developed to predict the effect of missense changes on protein structure and function (PolyPhen-2) suggests that this variant is likely to be disruptive. In summary, the available evidence is currently insufficient to determine the role of this variant in disease. Therefore, it has been classified as a Variant of Uncertain Significance.

Illumina Laboratory Services, Illumina
Classification: Uncertain significance for Polycystic lipomembranous osteodysplasia with sclerosing leukoencephalopathy 1. Last evaluated: 2017-11-14. Review status: criteria provided, single submitter. Criteria: ICSL Variant Classification Criteria 13 December 2019. Collection method: clinical testing. Allele origin: germline.
Comment: This variant was observed as part of a predisposition screen in an ostensibly healthy population. A literature search was performed for the gene, cDNA change, and amino acid change (where applicable). Publications were found based on this search. However, the evidence from the literature, in combination with allele frequency data from public databases where available, was not sufficient to rule this variant in or out of causing disease. Therefore, this variant is classified as a variant of unknown significance.

Literature cited by the submitters: PubMed 27658901 (cited by Labcorp Genetics (formerly Invitae), Labcorp and Illumina Laboratory Services, Illumina); PubMed 28620717 (cited by Labcorp Genetics (formerly Invitae), Labcorp and Illumina Laboratory Services, Illumina); PubMed 31996268 (cited by Labcorp Genetics (formerly Invitae), Labcorp); PubMed 36133075 (cited by Labcorp Genetics (formerly Invitae), Labcorp).